The following is an entry in ClinVar:

ClinVar aggregate classification (germline): Conflicting classifications of pathogenicity. Review status: criteria provided, conflicting classifications (1 of 4 stars). 2 submissions from 2 submitters: Uncertain significance (1); Likely benign (1). Last evaluated 2023-05-04.

Allele frequency attached by ClinVar (database versions not stated): gnomAD 0.00001.

Submissions (2):

Blueprint Genetics
Classification: Likely benign. Last evaluated: 2023-05-04. Review status: criteria provided, single submitter. Criteria: ACMG Guidelines, 2015. Collection method: clinical testing. Allele origin: germline.

Labcorp Genetics (formerly Invitae), Labcorp
Classification: Uncertain significance. Last evaluated: 2021-12-20. Review status: criteria provided, single submitter. Criteria: Invitae Variant Classification Sherloc (09022015). Collection method: clinical testing. Allele origin: germline.
Comment: In summary, the available evidence is currently insufficient to determine the role of this variant in disease. Therefore, it has been classified as a Variant of Uncertain Significance. Variants that disrupt the consensus splice site are a relatively common cause of aberrant splicing (PMID: 17576681, 9536098). Algorithms developed to predict the effect of sequence changes on RNA splicing suggest that this variant may create or strengthen a splice site. This variant has not been reported in the literature in individuals affected with ICK-related conditions. This variant is not present in population databases (gnomAD no frequency). This sequence change falls in intron 4 of the ICK gene. It does not directly change the encoded amino acid sequence of the ICK protein. It affects a nucleotide within the consensus splice site.

Literature cited by the submitters: PubMed 17576681 (cited by Labcorp Genetics (formerly Invitae), Labcorp); PubMed 9536098 (cited by Labcorp Genetics (formerly Invitae), Labcorp).

NM_014920.5(CILK1):c.156+5A>G

Gene: CILK1 (ciliogenesis associated kinase 1; minus strand). Cytogenetic location: 6p12.1.
Variant type: single nucleotide variant.
Coding change: c.156+5A>G on transcript NM_014920.5 (MANE Select); 5 bases into the intron after coding-DNA position 156, A replaced by G.
Molecular consequence: intron variant.
Genome position (GRCh38, 1-based): chr6:53,037,934, T>C on the plus strand (A>G on the coding strand, the complement: CILK1 is on the minus strand). VCF-style: chr6-53037934-T-C. GRCh37 (hg19) VCF-style: chr6-52902732-T-C.
Other names: c.156+5A>G (NM_001375397.1, NM_001375400.1, NM_016513.5 and 4 more transcripts).
Identifiers: ClinVar variation 1963675 (VCV001963675.6), dbSNP rs1766463554, ClinGen allele CA1089060968.